The following is an entry in ClinVar:

NM_000038.6(APC):c.7675C>A (p.Pro2559Thr)

Gene: APC (APC regulator of Wnt signaling pathway; plus strand). Cytogenetic location: 5q22.2.
Variant type: single nucleotide variant.
Coding change: c.7675C>A on transcript NM_000038.6 (MANE Select); coding-DNA position 7675, C replaced by A.
Protein change: p.Pro2559Thr; replaces proline 2559 with threonine.
Molecular consequence: missense variant. On other transcripts: non-coding transcript variant (2).
Genome position (GRCh38, 1-based): chr5:112,843,269, C>A. VCF-style: chr5-112843269-C-A. GRCh37 (hg19) VCF-style: chr5-112178966-C-A.
Other names: c.6523C>A, p.Pro2175Thr (NM_001407472.1, NM_001407471.1); c.7591C>A, p.Pro2531Thr (NM_001354899.2); c.7552C>A, p.Pro2518Thr (NM_001354900.2); c.7498C>A, p.Pro2500Thr (NM_001354901.2, NM_001407453.1); c.7402C>A, p.Pro2468Thr (NM_001354902.2); c.7372C>A, p.Pro2458Thr (NM_001354903.2, NM_001407458.1, NM_001407459.1 and 1 more transcripts); c.7297C>A, p.Pro2433Thr (NM_001354904.2); c.7195C>A, p.Pro2399Thr (NM_001354905.2); and 11 more; short protein forms P2577T, P2587T, P2175T, P2399T, P2433T, P2531T, P2541T, P2552T.
Identifiers: ClinVar variation 3881653 (VCV003881653.1).
Genomic context (GRCh38, chr5:112,843,269, plus strand): 5'-CTTCCAATCAATAGGTCAGGAACCTGGAAACGTGAGCACAGCAAACATTCATCATCCCTT[C>A]CTCGAGTAAGCACTTGGAGAAGAACTGGAAGTTCATCTTCAATTCTTTCTGCTTCATCAG-3'
Protein context (NP_000029.2, residues 2549-2569): REHSKHSSSL[Pro2559Thr]RVSTWRRTGS

ClinVar aggregate classification (germline): Uncertain significance (1 of 4 stars; one submission).

Conditions:
Hereditary cancer-predisposing syndrome. Also called: Tumor predisposition; Neoplastic Syndromes, Hereditary; Hereditary Cancer Syndrome; Hereditary neoplastic syndrome. Identifiers: Orphanet 140162, MedGen C0027672, MeSH D009386, MONDO:0015356.

Submission:

Ambry Genetics
Classification: Uncertain significance for Hereditary cancer-predisposing syndrome. Last evaluated: 2025-01-09. Review status: criteria provided, single submitter. Criteria: Ambry Variant Classification Scheme 2023. Collection method: clinical testing. Allele origin: germline.
Comment: The p.P2559T variant (also known as c.7675C>A), located in coding exon 15 of the APC gene, results from a C to A substitution at nucleotide position 7675. The proline at codon 2559 is replaced by threonine, an amino acid with highly similar properties. This amino acid position is conserved. In addition, in silico predictors for this gene do not accurately predict pathogenicity. Based on the available evidence, the clinical significance of this variant remains unclear.